The following is an entry in ClinVar:

NR_157580.1:n.332C>T

Variant type: single nucleotide variant.
Molecular consequence: non-coding transcript variant (on NR_157580.1).
Genome position: GRCh38 VCF-style: chr15-77941755-G-A. GRCh37 (hg19) VCF-style: chr15-78234097-G-A.
Identifiers: ClinVar variation 1879301 (VCV001879301.28), dbSNP rs117931496, ClinGen allele CA7678887.
Genomic context (GRCh38, chr15:77,941,755, plus strand): 5'-CAGCTGCTGCAGTTCACTGGCCAAGGATTCGCCATCGACACTGTGCTTGGCAGTTCCGGA[G>A]AGCATGAAACTCAGCACTGCCACTGTGGCCTTCACATCGCCTGACTCTCAGGGACCCATG-3'

ClinVar aggregate classification (germline): Likely benign (1 of 4 stars; one submission).

Submission:

CeGaT Center for Human Genetics Tuebingen
Classification: Likely benign. Last evaluated: 2023-06-01. Review status: criteria provided, single submitter. Criteria: CeGaT Center For Human Genetics Tuebingen Variant Classification Criteria Version 2. Collection method: clinical testing. Allele origin: germline. Affected: yes. Observed: 9 variant alleles.
Comment: CSPG4P13: BS2